The following is an entry in ClinVar:

NM_000222.3(KIT):c.2239T>G (p.Tyr747Asp)

Gene: KIT (KIT proto-oncogene, receptor tyrosine kinase; plus strand). Cytogenetic location: 4q12.
Variant type: single nucleotide variant.
Coding change: c.2239T>G on transcript NM_000222.3 (MANE Select); coding-DNA position 2239, T replaced by G.
Protein change: p.Tyr747Asp; replaces tyrosine 747 with aspartic acid.
Molecular consequence: missense variant.
Genome position (GRCh38, 1-based): chr4:54,731,876, T>G. VCF-style: chr4-54731876-T-G. GRCh37 (hg19) VCF-style: chr4-55598042-T-G.
Other names: c.2227T>G, p.Tyr743Asp (NM_001093772.2, NM_001385292.1); c.2242T>G, p.Tyr748Asp (NM_001385284.1); c.2236T>G, p.Tyr746Asp (NM_001385285.1); c.2224T>G, p.Tyr742Asp (NM_001385286.1); c.2230T>G, p.Tyr744Asp (NM_001385288.1); c.2239T>G, p.Tyr747Asp (NM_001385290.1); short protein forms Y742D, Y743D, Y744D, Y746D, Y747D, Y748D.
Identifiers: ClinVar variation 2662292 (VCV002662292.1), dbSNP rs2109794892, ClinGen allele CA356910823.

ClinVar aggregate classification (germline): Uncertain significance (1 of 4 stars; one submission).

Submission:

GeneDx
Classification: Uncertain significance. Last evaluated: 2023-05-15. Review status: criteria provided, single submitter. Criteria: GeneDx Variant Classification Process June 2021. Collection method: clinical testing. Allele origin: germline. Affected: yes.
Comment: Not observed at significant frequency in large population cohorts (gnomAD); In silico analysis supports that this missense variant has a deleterious effect on protein structure/function; Has not been previously published as pathogenic or benign to our knowledge